The following is an entry in ClinVar:

ClinVar aggregate classification (germline): Uncertain significance (1 of 4 stars; one submission).

Submission:

Labcorp Genetics (formerly Invitae), Labcorp
Classification: Uncertain significance. Last evaluated: 2023-12-28. Review status: criteria provided, single submitter. Criteria: Invitae Variant Classification Sherloc (09022015). Collection method: clinical testing. Allele origin: germline.
Comment: This sequence change replaces aspartic acid, which is acidic and polar, with asparagine, which is neutral and polar, at codon 229 of the IL12RB2 protein (p.Asp229Asn). This variant is not present in population databases (gnomAD no frequency). This variant has not been reported in the literature in individuals affected with IL12RB2-related conditions. Algorithms developed to predict the effect of missense changes on protein structure and function output the following: SIFT: "Not Available"; PolyPhen-2: "Benign"; Align-GVGD: "Not Available". The asparagine amino acid residue is found in multiple mammalian species, which suggests that this missense change does not adversely affect protein function. In summary, the available evidence is currently insufficient to determine the role of this variant in disease. Therefore, it has been classified as a Variant of Uncertain Significance.

NM_001374259.2(IL12RB2):c.685G>A (p.Asp229Asn)

Gene: IL12RB2 (interleukin 12 receptor subunit beta 2; plus strand). Cytogenetic location: 1p31.3.
Variant type: single nucleotide variant.
Coding change: c.685G>A on transcript NM_001374259.2 (MANE Select); coding-DNA position 685, G replaced by A.
Protein change: p.Asp229Asn; replaces aspartic acid 229 with asparagine.
Molecular consequence: missense variant. On other transcripts: non-coding transcript variant (2).
Genome position (GRCh38, 1-based): chr1:67,329,607, G>A. VCF-style: chr1-67329607-G-A. GRCh37 (hg19) VCF-style: chr1-67795290-G-A.
Other names: c.685G>A, p.Asp229Asn (NM_001258214.1, NM_001258215.1, NM_001258216.1 and 2 more transcripts); short protein forms D229N.
Identifiers: ClinVar variation 2706209 (VCV002706209.3), dbSNP rs1657786402, ClinGen allele CA340733661.